The following is an entry in ClinVar:

ClinVar aggregate classification (germline): Uncertain significance (1 of 4 stars; one submission).

Conditions:
PMP22-related disorder. Also called: PMP22-related disorders; PMP22-related condition.

gnomAD v4.1: 33 of 717,386 alleles (0.0046%); highest among the groups gnomAD compares: Admixed American, 0.012%; no homozygotes.

Submission:

PreventionGenetics, part of Exact Sciences
Classification: Uncertain significance for PMP22-related condition. Last evaluated: 2025-09-10. Review status: criteria provided, single submitter. Criteria: ACMG Guidelines, 2015. Collection method: clinical testing. Allele origin: germline.
Comment: The PMP22 c.349C>T variant is predicted to result in the amino acid substitution p.Arg117Trp. This variant can also be referred to as c.320-4175C>T in the more commonly reported isoform, NM_000304. To our knowledge, this variant has not been reported in the literature in patients with PMP22-related disorders. This variant is reported in 0.016% of alleles in individuals of Latino descent in gnomAD. At this time, the clinical significance of this variant is uncertain due to the absence of conclusive functional and genetic evidence.

NM_000304.4(PMP22):c.320-4175C>T

Gene: PMP22 (peripheral myelin protein 22; minus strand). Cytogenetic location: 17p12.
Variant type: single nucleotide variant.
Coding change: c.320-4175C>T on transcript NM_000304.4 (MANE Select); 4175 bases into the intron before coding-DNA position 320, C replaced by T.
Molecular consequence: intron variant. On other transcripts: missense variant (1).
Genome position (GRCh38, 1-based): chr17:15,235,255, G>A on the plus strand (C>T on the coding strand, the complement: PMP22 is on the minus strand). VCF-style: chr17-15235255-G-A. GRCh37 (hg19) VCF-style: chr17-15138572-G-A.
Other names: c.349C>T, p.Arg117Trp (NM_001330143.2); c.320-4175C>T (NM_001281456.2, NM_153321.3, NM_001281455.2 and 1 more transcripts); short protein forms R117W.
Identifiers: ClinVar variation 4983353 (VCV004983353.1).
Genomic context (GRCh38, chr17:15,235,255, plus strand): 5'-AAAGAGAGAGAAAGTGAAACTCACTCAGGAGTCCCCTCTATTCTTTCTGTTCTTAATCCC[G>A]GTAACCACACATTTGACTTGAGTTTGATTCTGCCGAGGAAACACAATTATCTAATCATCC-3'